The following is an entry in ClinVar:

NM_001199138.2(NLRC4):c.1466G>T (p.Ser489Ile)

Gene: NLRC4 (NLR family CARD domain containing 4; minus strand). Cytogenetic location: 2p22.3.
Variant type: single nucleotide variant.
Coding change: c.1466G>T on transcript NM_001199138.2 (MANE Select); coding-DNA position 1466, G replaced by T.
Protein change: p.Ser489Ile; replaces serine 489 with isoleucine.
Molecular consequence: missense variant. On other transcripts: intron variant (1).
Genome position (GRCh38, 1-based): chr2:32,250,398, C>A on the plus strand (G>T on the coding strand, the complement: NLRC4 is on the minus strand). VCF-style: chr2-32250398-C-A. GRCh37 (hg19) VCF-style: chr2-32475467-C-A.
Other names: c.1466G>T, p.Ser489Ile (NM_001199139.2, NM_021209.5); c.262+2021G>T (NM_001302504.1); short protein forms S489I.
Identifiers: ClinVar variation 2135637 (VCV002135637.4), dbSNP rs780366620, ClinGen allele CA1601990.
Genomic context (GRCh38, chr2:32,250,398, plus strand): 5'-AGGTGCTTCATAACAGCCCTGGTGGCTTCCACAGATGACCCACAGGTGTACCGGAGCAGG[C>A]TGCTATAAGTGGATGTAATGTCCGAAATGGAAACCATTTTCTGCAAGTAACCATTCCCCT-3'
Protein context (NP_001186067.1, residues 479-499): SISDITSTYS[Ser489Ile]LLRYTCGSSV

ClinVar aggregate classification (germline): Uncertain significance (1 of 4 stars; one submission).

Conditions:
Periodic fever-infantile enterocolitis-autoinflammatory syndrome. Also called: Autoinflammation with infantile enterocolitis. Identifiers: Orphanet 436166, MedGen C4015067, MONDO:0014472, OMIM 616050.
Familial cold autoinflammatory syndrome 4 (FCAS4). Identifiers: Orphanet 47045, Orphanet 576349, MedGen C4015276, MONDO:0014498, OMIM 616115.

gnomAD v4.1: 2 of 1,614,194 alleles (0.00012%); highest among the groups gnomAD compares: Non-Finnish European, 0.00017%; no homozygotes.

Submission:

Labcorp Genetics (formerly Invitae), Labcorp
Classification: Uncertain significance for Periodic fever-infantile enterocolitis-autoinflammatory syndrome; Familial cold autoinflammatory syndrome 4. Last evaluated: 2022-10-04. Review status: criteria provided, single submitter. Criteria: Invitae Variant Classification Sherloc (09022015). Collection method: clinical testing. Allele origin: germline.
Comment: Advanced modeling of protein sequence and biophysical properties (such as structural, functional, and spatial information, amino acid conservation, physicochemical variation, residue mobility, and thermodynamic stability) performed at Invitae indicates that this missense variant is not expected to disrupt NLRC4 protein function. In summary, the available evidence is currently insufficient to determine the role of this variant in disease. Therefore, it has been classified as a Variant of Uncertain Significance. This variant has not been reported in the literature in individuals affected with NLRC4-related conditions. This sequence change replaces serine, which is neutral and polar, with isoleucine, which is neutral and non-polar, at codon 489 of the NLRC4 protein (p.Ser489Ile). This variant is present in population databases (rs780366620, gnomAD 0.0009%).